The following is an entry in ClinVar:

NM_000127.3(EXT1):c.1316C>A (p.Ser439Ter)

Gene: EXT1 (exostosin glycosyltransferase 1; minus strand). Cytogenetic location: 8q24.11.
Variant type: single nucleotide variant.
Coding change: c.1316C>A on transcript NM_000127.3 (MANE Select); coding-DNA position 1316, C replaced by A.
Protein change: p.Ser439Ter; replaces serine 439 with a stop codon.
Molecular consequence: nonsense.
Genome position (GRCh38, 1-based): chr8:117,822,566, G>T on the plus strand (C>A on the coding strand, the complement: EXT1 is on the minus strand). VCF-style: chr8-117822566-G-T. GRCh37 (hg19) VCF-style: chr8-118834805-G-T.
Other names: short protein forms S439*.
Identifiers: ClinVar variation 945421 (VCV000945421.9), dbSNP rs1563571318, ClinGen allele CA371888047.
Genomic context (GRCh38, chr8:117,822,566, plus strand): 5'-GAATACTGTGGTAGTACGAACAATCCTCCAGGATGTTTGTTCCATATTAAACTGTTACGT[G>T]ATATGTGCTTGAATATTCTGTCCTGAATAATCTAGAAAATAAAACATAGCACACAGTGAG-3'

ClinVar aggregate classification (germline): Pathogenic (1 of 4 stars; one submission).

Conditions:
Multiple congenital exostosis (EXT). Also called: Hereditary multiple osteochondromas; Multiple osteochondromas; Multiple exostoses; MULTIPLE CARTILAGINOUS EXOSTOSES; Hereditary multiple exostoses; Hereditary multiple exostosis. Identifiers: Orphanet 321, MedGen C0015306, MONDO:0005508, HP:0002762.

Submission:

Labcorp Genetics (formerly Invitae), Labcorp
Classification: Pathogenic for Multiple congenital exostosis. Last evaluated: 2019-05-23. Review status: criteria provided, single submitter. Criteria: Invitae Variant Classification Sherloc (09022015). Collection method: clinical testing. Allele origin: germline.
Comment: For these reasons, this variant has been classified as Pathogenic. Loss-of-function variants in EXT1 are known to be pathogenic (PMID: 10679937, 11391482, 19810120). A different variant (c.1316C>A) giving rise to the same protein effect observed here (p.Ser439*) has been determined to be pathogenic (Invitae). This suggests that this variant is also likely to be causative of disease. This variant is not present in population databases (ExAC no frequency). This sequence change creates a premature translational stop signal (p.Ser439*) in the EXT1 gene. It is expected to result in an absent or disrupted protein product.

Literature cited by the submitters: PubMed 10679937; PubMed 11391482; PubMed 19810120.